The following is an entry in ClinVar:

NM_001042603.3(KDM5A):c.3156A>G (p.Ala1052=)

Gene: KDM5A (lysine demethylase 5A; minus strand). Cytogenetic location: 12p13.33.
Variant type: single nucleotide variant.
Coding change: c.3156A>G on transcript NM_001042603.3 (MANE Select); coding-DNA position 3156, A replaced by G.
Protein change: p.Ala1052=; no amino-acid change (alanine 1052 retained).
Molecular consequence: synonymous variant.
Genome position (GRCh38, 1-based): chr12:310,945, T>C on the plus strand (A>G on the coding strand, the complement: KDM5A is on the minus strand). VCF-style: chr12-310945-T-C. GRCh37 (hg19) VCF-style: chr12-420111-T-C.
Identifiers: ClinVar variation 4535265 (VCV004535265.6).

ClinVar aggregate classification (germline): Likely benign (1 of 4 stars; one submission).

gnomAD v4.1: 7 of 1,614,252 alleles (0.00043%); highest among the groups gnomAD compares: African/African-American, 0.0013%; no homozygotes.

Submission:

CeGaT Center for Human Genetics Tuebingen
Classification: Likely benign. Last evaluated: 2025-11-01. Review status: criteria provided, single submitter. Criteria: CeGaT Center For Human Genetics Tuebingen Variant Classification Criteria Version 2. Collection method: clinical testing. Allele origin: germline. Affected: yes. Observed: 1 variant allele.
Comment: KDM5A: BP4, BP7